The following is an entry in ClinVar:

ClinVar aggregate classification (germline): Uncertain significance. Review status: criteria provided, multiple submitters, no conflicts (2 of 4 stars). 2 submissions from 2 submitters: Uncertain significance (2). Last evaluated 2024-03-09.

Allele frequency attached by ClinVar (database versions not stated): TOPMed 0.00002; gnomAD 0.00005 and 0.00006; 1000 Genomes Project 0.00040; 1000 Genomes Project 30x 0.00047.
gnomAD v4.1: 20 of 1,614,134 alleles (0.0012%); highest among the groups gnomAD compares: African/African-American, 0.013%; no homozygotes.

Submissions (2):

GeneDx
Classification: Uncertain significance. Last evaluated: 2024-03-09. Review status: criteria provided, single submitter. Criteria: GeneDx Variant Classification Process June 2021. Collection method: clinical testing. Allele origin: germline. Affected: yes.
Comment: In silico analysis supports that this missense variant does not alter protein structure/function; Has not been previously published as pathogenic or benign to our knowledge

Labcorp Genetics (formerly Invitae), Labcorp
Classification: Uncertain significance. Last evaluated: 2021-10-19. Review status: criteria provided, single submitter. Criteria: Invitae Variant Classification Sherloc (09022015). Collection method: clinical testing. Allele origin: germline.
Comment: In summary, the available evidence is currently insufficient to determine the role of this variant in disease. Therefore, it has been classified as a Variant of Uncertain Significance. Algorithms developed to predict the effect of sequence changes on RNA splicing suggest that this variant may create or strengthen a splice site. Algorithms developed to predict the effect of missense changes on protein structure and function output the following: SIFT: "Tolerated"; PolyPhen-2: "Benign"; Align-GVGD: "Class C0". The glutamine amino acid residue is found in multiple mammalian species, which suggests that this missense change does not adversely affect protein function. This variant has not been reported in the literature in individuals affected with SZT2-related conditions. This variant is present in population databases (rs540224145, ExAC 0.03%). This sequence change replaces arginine with glutamine at codon 86 of the SZT2 protein (p.Arg86Gln). The arginine residue is weakly conserved and there is a small physicochemical difference between arginine and glutamine.

NM_001365999.1(SZT2):c.257G>A (p.Arg86Gln)

Gene: SZT2 (SZT2 subunit of KICSTOR complex; plus strand). Cytogenetic location: 1p34.2.
Variant type: single nucleotide variant.
Coding change: c.257G>A on transcript NM_001365999.1 (MANE Select); coding-DNA position 257, G replaced by A.
Protein change: p.Arg86Gln; replaces arginine 86 with glutamine.
Molecular consequence: missense variant.
Genome position (GRCh38, 1-based): chr1:43,403,704, G>A. VCF-style: chr1-43403704-G-A. GRCh37 (hg19) VCF-style: chr1-43869375-G-A.
Other names: c.257G>A, p.Arg86Gln (NM_015284.4); short protein forms R86Q.
Identifiers: ClinVar variation 842226 (VCV000842226.7), dbSNP rs540224145, ClinGen allele CA808119.